The following is an entry in ClinVar:

NM_005902.4(SMAD3):c.253C>T (p.His85Tyr)

Gene: SMAD3 (SMAD family member 3; plus strand). Cytogenetic location: 15q22.33.
Variant type: single nucleotide variant.
Coding change: c.253C>T on transcript NM_005902.4 (MANE Select); coding-DNA position 253, C replaced by T.
Protein change: p.His85Tyr; replaces histidine 85 with tyrosine.
Molecular consequence: missense variant. On other transcripts: 5 prime UTR variant (3).
Genome position (GRCh38, 1-based): chr15:67,164,941, C>T. VCF-style: chr15-67164941-C-T. GRCh37 (hg19) VCF-style: chr15-67457279-C-T.
Other names: c.-63C>T (NM_001145102.2, NM_001407015.1, NM_001407016.1); c.121C>T, p.His41Tyr (NM_001145103.2); c.253C>T, p.His85Tyr (NM_001407011.1, NM_001407012.1, NM_001407013.1); c.106C>T, p.His36Tyr (NM_001407014.1); short protein forms H36Y, H41Y, H85Y.
Identifiers: ClinVar variation 2566749 (VCV002566749.2), dbSNP rs2505209582, ClinGen allele CA392953836.

ClinVar aggregate classification (germline): Uncertain significance (1 of 4 stars; one submission).

Conditions:
Familial thoracic aortic aneurysm and aortic dissection (TAAD). Also called: Thoracic aortic aneurysms and dissections. Identifiers: Orphanet 91387, MedGen C4707243, MONDO:0019625.

Submission:

Ambry Genetics
Classification: Uncertain significance for Familial thoracic aortic aneurysm and aortic dissection. Last evaluated: 2023-04-16. Review status: criteria provided, single submitter. Criteria: Ambry Variant Classification Scheme 2023. Collection method: clinical testing. Allele origin: germline.
Comment: The p.H85Y variant (also known as c.253C>T), located in coding exon 2 of the SMAD3 gene, results from a C to T substitution at nucleotide position 253. The histidine at codon 85 is replaced by tyrosine, an amino acid with similar properties. This amino acid position is conserved. In addition, this alteration is predicted to be deleterious by in silico analysis. Since supporting evidence is limited at this time, the clinical significance of this alteration remains unclear.